The following is an entry in ClinVar:

ClinVar aggregate classification (germline): Pathogenic/Likely pathogenic. Review status: criteria provided, multiple submitters, no conflicts (2 of 4 stars). 4 submissions from 4 submitters: Pathogenic (1); Likely pathogenic (2). 1 of the submissions does not count toward it. Last evaluated 2025-09-22.

Conditions:
Bleeding and platelet disorders.
Thrombomodulin-related bleeding disorder (THPH12). Also called: Thrombophilia due to thrombomodulin defect. Identifiers: Orphanet 436169, MedGen C3280976, MONDO:0013775, OMIM 614486.
Thrombocytopenia. Identifiers: MedGen C0040034, MeSH D013921, MONDO:0002049, HP:0001873.
Abnormal bleeding. Also called: Bleeding diathesis. Identifiers: MedGen C1458140, HP:0001892.

Submissions (4):

Genomenon, Inc
Classification: Likely pathogenic for Thrombomodulin-related bleeding disorder. Last evaluated: 2025-09-22. Review status: criteria provided, single submitter. Criteria: Genomenon Sequence Variant Interpretation Standards - Updated. Collection method: curation. Allele origin: germline. Affected: yes.
Comment: THBD p.Cys537Ter (c.1611C>A) is a nonsense variant that introduces a premature stop codon at amino acid position 537, creating a truncated protein. This variant has been observed in at least one proband affected with thrombomodulin-related bleeding disorder (PMID:25049278;25564403;27436851;39208365;28267383;31064749). The variant was found to segregate with disease in at least one affected family (PMID:25049278;25564403;27436851;28267383). Functional studies have been reported; however, the significance of the findings remain unclear (PMID:39208365;29145514). It is absent or not present at a significant frequency in gnomAD. In conclusion, we classify THBD p.Cys537Ter (c.1611C>A) as a likely pathogenic variant.

North West Genomic Laboratory Hub, Manchester University NHS Foundation Trust
Classification: Pathogenic for Bleeding and platelet disorders. Last evaluated: 2024-09-27. Review status: criteria provided, single submitter. Criteria: ACGS Best Practice Guidelines for Variant Classification in Rare Disease 2020. Collection method: clinical testing. Allele origin: germline. Affected: yes.
Comment: PP1_Str PM2_Mod PS4_Mod PVS1_Str

NIHR Bioresource Rare Diseases, University of Cambridge
Classification: Likely pathogenic for Abnormal bleeding. Last evaluated: 2019-02-01. Review status: criteria provided, single submitter. Criteria: ACMG Guidelines, 2015. Collection method: research. Allele origin: unknown. Affected: yes. Observed: 1 heterozygote. Study: ThromboGenomics.

Birmingham Platelet Group; University of Birmingham
Classification: Likely pathogenic for Thrombocytopenia; Abnormal bleeding. Last evaluated: 2020-05-01. Review status: no assertion criteria provided. Collection method: research. Allele origin: germline. Affected: yes. Not counted in ClinVar's aggregate classification.

Literature cited by the submitters: PubMed 25049278 (cited by Genomenon, Inc); PubMed 25564403 (cited by Genomenon, Inc); PubMed 27436851 (cited by Genomenon, Inc); PubMed 39208365 (cited by Genomenon, Inc); PubMed 28267383 (cited by Genomenon, Inc); PubMed 31064749 (cited by Genomenon, Inc and NIHR Bioresource Rare Diseases, University of Cambridge); PubMed 29145514 (cited by Genomenon, Inc).

NM_000361.3(THBD):c.1611C>A (p.Cys537Ter)

Gene: THBD (thrombomodulin; minus strand). Cytogenetic location: 20p11.21.
Variant type: single nucleotide variant.
Coding change: c.1611C>A on transcript NM_000361.3 (MANE Select); coding-DNA position 1611, C replaced by A.
Protein change: p.Cys537Ter; replaces cysteine 537 with a stop codon.
Molecular consequence: nonsense.
Genome position (GRCh38, 1-based): chr20:23,047,894, G>T on the plus strand (C>A on the coding strand, the complement: THBD is on the minus strand). VCF-style: chr20-23047894-G-T. GRCh37 (hg19) VCF-style: chr20-23028531-G-T.
Other names: short protein forms C537*.
Identifiers: ClinVar variation 627252 (VCV000627252.4), dbSNP rs1600409143, ClinGen allele CA408405181.